The following is an entry in ClinVar:

NM_020975.6(RET):c.972G>T (p.Trp324Cys)

Gene: RET (ret proto-oncogene; plus strand). Cytogenetic location: 10q11.21.
Variant type: single nucleotide variant.
Coding change: c.972G>T on transcript NM_020975.6 (MANE Select); coding-DNA position 972, G replaced by T.
Protein change: p.Trp324Cys; replaces tryptophan 324 with cysteine.
Molecular consequence: missense variant. On other transcripts: intron variant (25).
Genome position (GRCh38, 1-based): chr10:43,106,480, G>T. VCF-style: chr10-43106480-G-T. GRCh37 (hg19) VCF-style: chr10-43601928-G-T.
Other names: c.972G>T, p.Trp324Cys (NM_020630.7, NM_001406743.1, NM_001406744.1 and 4 more transcripts); c.867+1287G>T (NM_001406772.1, NM_001406769.1); c.626-2551G>T (NM_001406773.1, NM_001406771.1); c.625+3851G>T (NM_001406782.1, NM_001406780.1, NM_001406779.1 and 3 more transcripts); c.738+1287G>T (NM_001406774.1); c.496+3851G>T (NM_001406786.1, NM_001406783.1); c.338-2551G>T (NM_001406778.1, NM_001406775.1, NM_001406776.1 and 1 more transcripts); c.338-5619G>T (NM_001406790.1, NM_001406788.1, NM_001406789.1 and 1 more transcripts); and 5 more; short protein forms W324C, W281C, W70C, W228C.
Identifiers: ClinVar variation 3662817 (VCV003662817.2).
Genomic context (GRCh38, chr10:43,106,480, plus strand): 5'-ACCTGCATCAGGGGAGCTGGTGAGGCGGTACACAAGCACGCTGCTCCCCGGGGACACCTG[G>T]GCCCAGCAGACCTTCCGGGTGGAACACTGGCCCAACGAGACCTCGGTCCAGGCCAACGGC-3'
Protein context (NP_066124.1, residues 314-334): YTSTLLPGDT[Trp324Cys]AQQTFRVEHW

ClinVar aggregate classification (germline): Uncertain significance (1 of 4 stars; one submission).

Conditions:
Multiple endocrine neoplasia, type 2 (MEN2). Identifiers: Orphanet 653, MedGen C4048306, MONDO:0019003. Disease mechanism: gain of function.

Submission:

Labcorp Genetics (formerly Invitae), Labcorp
Classification: Uncertain significance for Multiple endocrine neoplasia, type 2. Last evaluated: 2024-08-31. Review status: criteria provided, single submitter. Criteria: Invitae Variant Classification Sherloc (09022015). Collection method: clinical testing. Allele origin: germline.
Comment: This sequence change replaces tryptophan, which is neutral and slightly polar, with cysteine, which is neutral and slightly polar, at codon 324 of the RET protein (p.Trp324Cys). This variant is not present in population databases (gnomAD no frequency). This missense change has been observed in individual(s) with Hirschsprung disease (PMID: 11955539). An algorithm developed to predict the effect of missense changes on protein structure and function (PolyPhen-2) suggests that this variant is likely to be disruptive. In summary, the available evidence is currently insufficient to determine the role of this variant in disease. Therefore, it has been classified as a Variant of Uncertain Significance.

Literature cited by the submitters: PubMed 11955539.